The following is an entry in ClinVar:

ClinVar aggregate classification (germline): Likely benign (0 of 4 stars; one submission).

Conditions:
GCNT2-related disorder. Also called: GCNT2-related condition.

Allele frequency attached by ClinVar (database versions not stated): gnomAD 0.00002; gnomAD exomes 0.00002; ExAC 0.00003; TOPMed 0.00003.
gnomAD v4.1: 30 of 1,614,048 alleles (0.0019%); highest among the groups gnomAD compares: Non-Finnish European, 0.0019%; no homozygotes.

Submission:

PreventionGenetics, part of Exact Sciences
Classification: Likely benign for GCNT2-related condition. Last evaluated: 2022-09-01. Review status: no assertion criteria provided. Collection method: clinical testing. Allele origin: germline.
Comment: This variant is classified as likely benign based on ACMG/AMP sequence variant interpretation guidelines (Richards et al. 2015 PMID: 25741868, with internal and published modifications).

NM_145649.5(GCNT2):c.846C>T (p.Leu282=)

Gene: GCNT2 (glucosaminyl (N-acetyl) transferase 2 (I blood group); plus strand). Cytogenetic location: 6p24.3.
Variant type: single nucleotide variant.
Coding change: c.846C>T on transcript NM_145649.5 (MANE Select); coding-DNA position 846, C replaced by T.
Protein change: p.Leu282=; no amino-acid change (leucine 282 retained).
Molecular consequence: synonymous variant.
Genome position (GRCh38, 1-based): chr6:10,529,757, C>T. VCF-style: chr6-10529757-C-T. GRCh37 (hg19) VCF-style: chr6-10529990-C-T.
Other names: c.846C>T, p.Leu282= (NM_001374747.1).
Identifiers: ClinVar variation 3032228 (VCV003032228.2), dbSNP rs780096446, ClinGen allele CA3631850.